The following is an entry in ClinVar:

ClinVar aggregate classification (germline): Uncertain significance (1 of 4 stars; one submission).

Submission:

Labcorp Genetics (formerly Invitae), Labcorp
Classification: Uncertain significance. Last evaluated: 2024-07-23. Review status: criteria provided, single submitter. Criteria: Invitae Variant Classification Sherloc (09022015). Collection method: clinical testing. Allele origin: germline.
Comment: This sequence change replaces valine, which is neutral and non-polar, with methionine, which is neutral and non-polar, at codon 451 of the GPR161 protein (p.Val451Met). This variant is not present in population databases (gnomAD no frequency). This variant has not been reported in the literature in individuals affected with GPR161-related conditions. An algorithm developed to predict the effect of missense changes on protein structure and function (PolyPhen-2) suggests that this variant is likely to be disruptive. In summary, the available evidence is currently insufficient to determine the role of this variant in disease. Therefore, it has been classified as a Variant of Uncertain Significance.

NM_001375883.1(GPR161):c.1291G>A (p.Val431Met)

Gene: GPR161 (G protein-coupled receptor 161; minus strand). Cytogenetic location: 1q24.2.
Variant type: single nucleotide variant.
Coding change: c.1291G>A on transcript NM_001375883.1 (MANE Select); coding-DNA position 1291, G replaced by A.
Protein change: p.Val431Met; replaces valine 431 with methionine.
Molecular consequence: missense variant.
Genome position (GRCh38, 1-based): chr1:168,087,618, C>T on the plus strand (G>A on the coding strand, the complement: GPR161 is on the minus strand). VCF-style: chr1-168087618-C-T. GRCh37 (hg19) VCF-style: chr1-168056856-C-T.
Other names: c.1351G>A, p.Val451Met (NM_001267609.1); c.1291G>A, p.Val431Met (NM_001267610.2, NM_001349632.1, NM_001349633.1 and 5 more transcripts); c.1342G>A, p.Val448Met (NM_001267611.1); c.895G>A, p.Val299Met (NM_001267612.2, NM_001349635.1); c.1057G>A, p.Val353Met (NM_001267613.1); c.949G>A, p.Val317Met (NM_001267614.1); short protein forms V299M, V431M, V353M, V448M, V317M, V451M.
Identifiers: ClinVar variation 3660300 (VCV003660300.2).